The following is an entry in ClinVar:

NM_032892.5(FRMD5):c.1091dup (p.Arg366fs)

Gene: FRMD5 (FERM domain containing 5; minus strand). Cytogenetic location: 15q15.3.
Variant type: Duplication.
Coding change: c.1091dup on transcript NM_032892.5 (MANE Select); coding-DNA position 1091, one base duplicated (T; older notation c.1091dupT).
Protein change: p.Arg366fs; shifts the reading frame from arginine 366.
Molecular consequence: frameshift variant. On other transcripts: non-coding transcript variant (1).
Genome position (GRCh38, 1-based): chr15:43,883,747, A duplicated on the plus strand (T on the coding strand, the reverse complement: FRMD5 is on the minus strand). VCF-style (leftmost placement, unchanged base first): chr15-43883746-G-GA. GRCh37 (hg19) VCF-style: chr15-44175944-G-GA.
Other names: c.809dup, p.Arg272fs (NM_001286490.2); c.389dup, p.Arg132fs (NM_001286491.2); c.1091dup, p.Arg366fs (NM_001322949.2, NM_001322950.2, NM_001411124.1); c.986dup, p.Arg331fs (NM_001322951.2); short protein forms R132fs, R272fs, R331fs, R366fs.
Identifiers: ClinVar variation 4085868 (VCV004085868.8).

ClinVar aggregate classification (germline): Uncertain significance (1 of 4 stars; one submission).

Submission:

CeGaT Center for Human Genetics Tuebingen
Classification: Uncertain significance. Last evaluated: 2025-08-01. Review status: criteria provided, single submitter. Criteria: CeGaT Center For Human Genetics Tuebingen Variant Classification Criteria Version 2. Collection method: clinical testing. Allele origin: germline. Affected: yes. Observed: 1 variant allele.
Comment: FRMD5: PM2